The following is an entry in ClinVar:

NM_000293.3(PHKB):c.2633G>A (p.Trp878Ter)

Gene: PHKB (phosphorylase kinase regulatory subunit beta; plus strand). Cytogenetic location: 16q12.1.
Variant type: single nucleotide variant.
Coding change: c.2633G>A on transcript NM_000293.3 (MANE Select); coding-DNA position 2633, G replaced by A.
Protein change: p.Trp878Ter; replaces tryptophan 878 with a stop codon.
Molecular consequence: nonsense.
Genome position (GRCh38, 1-based): chr16:47,689,043, G>A. VCF-style: chr16-47689043-G-A. GRCh37 (hg19) VCF-style: chr16-47722954-G-A.
Other names: c.2612G>A, p.Trp871Ter (NM_001031835.3); c.2633G>A, p.Trp878Ter (NM_001363837.1); short protein forms W878*, W871*.
Identifiers: ClinVar variation 2966750 (VCV002966750.4), dbSNP rs1000274245, ClinGen allele CA280738726.

ClinVar aggregate classification (germline): Pathogenic (1 of 4 stars; one submission).

Conditions:
Glycogen storage disease IXb (GSD9B). Also called: GLYCOGENOSIS OF LIVER AND MUSCLE, AUTOSOMAL RECESSIVE; GSD IXb; PHOSPHORYLASE KINASE DEFICIENCY OF LIVER AND MUSCLE, AUTOSOMAL RECESSIVE. Identifiers: Orphanet 79240, MedGen C0543514, MONDO:0009868, OMIM 261750.

Allele frequency attached by ClinVar (database versions not stated): gnomAD exomes below 0.00001; gnomAD 0.00001; TOPMed 0.00002.
gnomAD v4.1: 7 of 1,613,872 alleles (0.00043%); highest among the groups gnomAD compares: Middle Eastern, 0.016%; no homozygotes.

Submissions (2):

Labcorp Genetics (formerly Invitae), Labcorp
Classification: Pathogenic for Glycogen storage disease IXb. Last evaluated: 2023-05-02. Review status: criteria provided, single submitter. Criteria: Invitae Variant Classification Sherloc (09022015). Collection method: clinical testing. Allele origin: germline.
Comment: This sequence change creates a premature translational stop signal (p.Trp878*) in the PHKB gene. It is expected to result in an absent or disrupted protein product. Loss-of-function variants in PHKB are known to be pathogenic (PMID: 9215682, 9326319). For these reasons, this variant has been classified as Pathogenic. Algorithms developed to predict the effect of sequence changes on RNA splicing suggest that this variant may create or strengthen a splice site. This variant has not been reported in the literature in individuals affected with PHKB-related conditions. This variant is not present in population databases (gnomAD no frequency).

Dr. Peter K. Rogan Lab, Western University
No classification provided (evidence only). Condition: Melanoma. Review status: no classification provided. Collection method: in vitro. Allele origin: not applicable. Functional consequence: retained intron. Not counted in ClinVar's aggregate classification.

Literature cited by the submitters: PubMed 9215682 (cited by Labcorp Genetics (formerly Invitae), Labcorp); PubMed 9326319 (cited by Labcorp Genetics (formerly Invitae), Labcorp).